The following is an entry in ClinVar:

NM_003803.4(MYOM1):c.704C>A (p.Thr235Asn)

Gene: MYOM1 (myomesin 1; minus strand). Cytogenetic location: 18p11.31.
Variant type: single nucleotide variant.
Coding change: c.704C>A on transcript NM_003803.4 (MANE Select); coding-DNA position 704, C replaced by A.
Protein change: p.Thr235Asn; replaces threonine 235 with asparagine.
Molecular consequence: missense variant.
Genome position (GRCh38, 1-based): chr18:3,188,815, G>T on the plus strand (C>A on the coding strand, the complement: MYOM1 is on the minus strand). VCF-style: chr18-3188815-G-T. GRCh37 (hg19) VCF-style: chr18-3188813-G-T.
Other names: c.704C>A, p.Thr235Asn (NM_019856.2); short protein forms T235N.
Identifiers: ClinVar variation 4555386 (VCV004555386.1).
Genomic context (GRCh38, chr18:3,188,815, plus strand): 5'-CTCAGGGACAGGCGTTCTGCCTTTTCTCGAATCACAACTTTCCTTGACTTCTTTTCAGAA[G>T]TTTCTTCCTGTTGAAGAGCGGATGTGGCCTGTTTGGAAACCACAGACTGCCTGGATGCCG-3'
Protein context (NP_003794.3, residues 225-245): QATSALQQEE[Thr235Asn]SEKKSRKVVI

ClinVar aggregate classification (germline): Uncertain significance (1 of 4 stars; one submission).

gnomAD v4.1: 3 of 1,610,104 alleles (0.00019%); highest among the groups gnomAD compares: African/African-American, 0.004%; no homozygotes.

Submission:

Ambry Genetics
Classification: Uncertain significance. Last evaluated: 2025-11-18. Review status: criteria provided, single submitter. Criteria: Ambry Variant Classification Scheme 2023. Collection method: clinical testing. Allele origin: germline.
Comment: The p.T235N variant (also known as c.704C>A), located in coding exon 3 of the MYOM1 gene, results from a C to A substitution at nucleotide position 704. The threonine at codon 235 is replaced by asparagine, an amino acid with similar properties. This amino acid position is conserved. In addition, this alteration is predicted to be tolerated by in silico analysis. Based on the available evidence, the clinical significance of this variant remains unclear.